The following is an entry in ClinVar:

ClinVar aggregate classification (germline): Uncertain significance (1 of 4 stars; one submission).

Submission:

Labcorp Genetics (formerly Invitae), Labcorp
Classification: Uncertain significance. Last evaluated: 2022-03-19. Review status: criteria provided, single submitter. Criteria: Invitae Variant Classification Sherloc (09022015). Collection method: clinical testing. Allele origin: germline.
Comment: This sequence change replaces serine, which is neutral and polar, with tryptophan, which is neutral and slightly polar, at codon 2 of the RP9 protein (p.Ser2Trp). This variant is not present in population databases (gnomAD no frequency). This variant has not been reported in the literature in individuals affected with RP9-related conditions. Algorithms developed to predict the effect of missense changes on protein structure and function are either unavailable or do not agree on the potential impact of this missense change (SIFT: "Tolerated"; PolyPhen-2: "Probably Damaging"; Align-GVGD: "Class C0"). In summary, the available evidence is currently insufficient to determine the role of this variant in disease. Therefore, it has been classified as a Variant of Uncertain Significance.

NM_203288.2(RP9):c.5C>G (p.Ser2Trp)

Genes: RP9 (RP9 pre-mRNA splicing factor; minus strand), LOC129998225 (ATAC-STARR-seq lymphoblastoid silent region 18090; plus strand). Cytogenetic location: 7p14.3.
Variant type: single nucleotide variant.
Coding change: c.5C>G on transcript NM_203288.2 (MANE Select); coding-DNA position 5, C replaced by G.
Protein change: p.Ser2Trp; replaces serine 2 with tryptophan.
Molecular consequence: missense variant.
Genome position (GRCh38, 1-based): chr7:33,109,368, G>C on the plus strand (C>G on the coding strand, the complement: RP9 is on the minus strand). VCF-style: chr7-33109368-G-C. GRCh37 (hg19) VCF-style: chr7-33148980-G-C.
Other names: short protein forms S2W.
Identifiers: ClinVar variation 1901575 (VCV001901575.5), dbSNP rs1010772189, ClinGen allele CA367185479.
Genomic context (GRCh38, chr7:33,109,368, plus strand): 5'-GGCGGCTCACGCGGCCGCCGCGCGCCCGCAGCCCCCACGTCCTCGCGCCCAGGCCGGGAC[G>C]ACATGTCAGCCCCCGCAGCGCCGCTCGGGCAACCCCCGCGGCGCGGCTCCGGCGGCGGCG-3'
Protein context (NP_976033.1, residues 1-12): M[Ser2Trp]SRPGREDVGA